The following is an entry in ClinVar:

NM_147686.4(TRAF3IP2):c.1064C>T (p.Pro355Leu)

Genes: TRAF3IP2 (TRAF3 interacting protein 2; minus strand), TRAF3IP2-AS1 (TRAF3IP2 antisense RNA 1; plus strand). Cytogenetic location: 6q21.
Variant type: single nucleotide variant.
Coding change: c.1064C>T on transcript NM_147686.4 (MANE Select); coding-DNA position 1064, C replaced by T.
Protein change: p.Pro355Leu; replaces proline 355 with leucine.
Molecular consequence: missense variant.
Genome position (GRCh38, 1-based): chr6:111,575,780, G>A on the plus strand (C>T on the coding strand, the complement: TRAF3IP2 is on the minus strand). VCF-style: chr6-111575780-G-A. GRCh37 (hg19) VCF-style: chr6-111896983-G-A.
Other names: c.1064C>T, p.Pro355Leu (NM_001164281.3); c.1091C>T, p.Pro364Leu (NM_147200.3); c.1064C>T (NM_147686.2); short protein forms P355L, P364L.
Identifiers: ClinVar variation 1989076 (VCV001989076.2), dbSNP rs143865750, ClinGen allele CA3963188.

ClinVar aggregate classification (germline): Uncertain significance. Review status: criteria provided, multiple submitters, no conflicts (2 of 4 stars). 2 submissions from 2 submitters: Uncertain significance (2). Last evaluated 2025-09-25.

Conditions:
Candidiasis, familial, 8 (CANDF8). Identifiers: Orphanet 1334, MedGen C3714992, MONDO:0014230, OMIM 615527.

Allele frequency attached by ClinVar (database versions not stated): gnomAD exomes 0.00002; ExAC 0.00002; gnomAD 0.00003; TOPMed 0.00002; ESP Exome Variant Server 0.00008.
gnomAD v4.1: 32 of 1,609,862 alleles (0.002%); highest among the groups gnomAD compares: Non-Finnish European, 0.0027%; no homozygotes.

Submissions (2):

Ambry Genetics
Classification: Uncertain significance. Last evaluated: 2025-09-25. Review status: criteria provided, single submitter. Criteria: Ambry Variant Classification Scheme 2023. Collection method: clinical testing. Allele origin: germline.

Labcorp Genetics (formerly Invitae), Labcorp
Classification: Uncertain significance for Candidiasis, familial, 8. Last evaluated: 2022-06-08. Review status: criteria provided, single submitter. Criteria: Invitae Variant Classification Sherloc (09022015). Collection method: clinical testing. Allele origin: germline.
Comment: This sequence change replaces proline, which is neutral and non-polar, with leucine, which is neutral and non-polar, at codon 355 of the TRAF3IP2 protein (p.Pro355Leu). This variant is present in population databases (rs143865750, gnomAD 0.005%). This variant has not been reported in the literature in individuals affected with TRAF3IP2-related conditions. Algorithms developed to predict the effect of missense changes on protein structure and function output the following: SIFT: "Deleterious"; PolyPhen-2: "Benign"; Align-GVGD: "Class C0". The leucine amino acid residue is found in multiple mammalian species, which suggests that this missense change does not adversely affect protein function. In summary, the available evidence is currently insufficient to determine the role of this variant in disease. Therefore, it has been classified as a Variant of Uncertain Significance.